The following is an entry in ClinVar:

NM_007294.4(BRCA1):c.4717del (p.Asp1573fs)

Gene: BRCA1 (BRCA1 DNA repair associated; minus strand). Cytogenetic location: 17q21.31.
Variant type: Deletion.
Coding change: c.4717del on transcript NM_007294.4 (MANE Select); coding-DNA position 4717, one base deleted (G; older notation c.4717delG).
Protein change: p.Asp1573fs; shifts the reading frame from aspartic acid 1573.
Molecular consequence: frameshift variant. On other transcripts: non-coding transcript variant (1).
Genome position (GRCh38, 1-based): chr17:43,071,197, C deleted on the plus strand (G on the coding strand, the reverse complement: BRCA1 is on the minus strand). VCF-style (leftmost placement, unchanged base first): chr17-43071196-TC-T. GRCh37 (hg19) VCF-style: chr17-41223213-TC-T.
Other names: c.4717delG, p.Asp1573Metfs (NM_001407597.1, NM_001407598.1, NM_001407602.1 and 9 more transcripts); c.4714delG, p.Asp1572Metfs (NM_001407610.1, NM_001407611.1, NM_001407612.1 and 17 more transcripts); c.4711delG, p.Asp1571Metfs (NM_001407627.1, NM_001407628.1, NM_001407629.1 and 14 more transcripts); c.4708delG, p.Asp1570Metfs (NM_001407644.1, NM_001407645.1); c.4705delG, p.Asp1569Metfs (NM_001407646.1); c.4702delG, p.Asp1568Metfs (NM_001407647.1); c.4660delG, p.Asp1554Metfs (NM_001407648.1); c.4657delG, p.Asp1553Metfs (NM_001407649.1); and 73 more; short protein forms D1526fs, D1573fs, D1594fs, D469fs.
Identifiers: ClinVar variation 837970 (VCV000837970.14), dbSNP rs2052422166, ClinGen allele CA916080200.

ClinVar aggregate classification (germline): Pathogenic. Review status: criteria provided, multiple submitters, no conflicts (2 of 4 stars). 4 submissions from 4 submitters: Pathogenic (4). Last evaluated 2026-01-21.

Conditions:
Hereditary breast ovarian cancer syndrome. Also called: Hereditary breast and/or ovarian cancer syndrome; BRCA1- and BRCA2-Associated Hereditary Breast and Ovarian Cancer; Hereditary breast and ovarian cancer syndrome; Hereditary breast and ovarian cancer; Hereditary breast and ovarian cancer syndrome (HBOC); Breast and ovarian cancer. Identifiers: Orphanet 145, MedGen C0677776, MeSH D061325, MONDO:0003582. Disease mechanism: loss of function.
Breast-ovarian cancer, familial, susceptibility to, 1 (BROVCA1). Also called: BRCA1 Hereditary Breast and Ovarian Cancer; OVARIAN CANCER, SUSCEPTIBILITY TO. Identifiers: Orphanet 145, MedGen C2676676, MONDO:0011450, OMIM 604370. Disease mechanism: loss of function.
Hereditary cancer-predisposing syndrome. Also called: Tumor predisposition; Hereditary Cancer Syndrome; Hereditary neoplastic syndrome; Neoplastic Syndromes, Hereditary. Identifiers: Orphanet 140162, MedGen C0027672, MeSH D009386, MONDO:0015356.

Submissions (4):

Labcorp Genetics (formerly Invitae), Labcorp
Classification: Pathogenic for Hereditary breast ovarian cancer syndrome. Last evaluated: 2026-01-21. Review status: criteria provided, single submitter. Criteria: Invitae Variant Classification Sherloc (09022015). Collection method: clinical testing. Allele origin: germline.
Comment: This sequence change creates a premature translational stop signal (p.Asp1573Metfs*28) in the BRCA1 gene. It is expected to result in an absent or disrupted protein product. Loss-of-function variants in BRCA1 are known to be pathogenic (PMID: 20104584). This variant is not present in population databases (gnomAD no frequency). This premature translational stop signal has been observed in individual(s) with breast and/or ovarian cancer (PMID: 29470806). ClinVar contains an entry for this variant (Variation ID: 837970). For these reasons, this variant has been classified as Pathogenic.

Institute for Genomic Medicine (IGM) Clinical Laboratory, Nationwide Children's Hospital
Classification: Pathogenic for Hereditary cancer-predisposing syndrome. Last evaluated: 2025-07-28. Review status: criteria provided, single submitter. Criteria: ACMG Guidelines, 2015. Collection method: clinical testing. Allele origin: germline.
Comment: This variant is predicted to result in loss of function through nonsense-mediated decay of the encoded transcript or premature truncation of the encoded protein in a gene in which loss of function is a known mechanism of disease (ACMG/AMP: PVS1; PMIDs:18431737, 20104584, 26515461, 35236825). This variant has been reported at an elevated frequency in affected individuals/in multiple affected individuals in the literature (ACMG/AMP: PS4_Supporting; PMID:29470806). This variant is absent from or present at an exceedingly low frequency in gnomAD, a large-scale control population database (ACMG/AMP: PM2).

Baylor Genetics
Classification: Pathogenic for Breast-ovarian cancer, familial, susceptibility to, 1. Last evaluated: 2023-10-22. Review status: criteria provided, single submitter. Criteria: ACMG Guidelines, 2015. Collection method: clinical testing. Allele origin: unknown.

Molecular Endocrinology Laboratory, Christian Medical College
Classification: Pathogenic for Breast-ovarian cancer, familial, susceptibility to, 1. Review status: criteria provided, single submitter. Criteria: ACMG Guidelines, 2015. Collection method: clinical testing. Allele origin: germline. Affected: yes.

Literature cited by the submitters: PubMed 20104584 (cited by 3 submitters); PubMed 29470806 (cited by Labcorp Genetics (formerly Invitae), Labcorp and Institute for Genomic Medicine (IGM) Clinical Laboratory, Nationwide Children's Hospital); PubMed 18431737 (cited by Institute for Genomic Medicine (IGM) Clinical Laboratory, Nationwide Children's Hospital); PubMed 26515461 (cited by Institute for Genomic Medicine (IGM) Clinical Laboratory, Nationwide Children's Hospital); PubMed 35236825 (cited by Institute for Genomic Medicine (IGM) Clinical Laboratory, Nationwide Children's Hospital).